The following is an entry in ClinVar:

ClinVar aggregate classification (germline): Uncertain significance. Review status: criteria provided, multiple submitters, no conflicts (2 of 4 stars). 2 submissions from 2 submitters: Uncertain significance (2). Last evaluated 2021-10-29.

Conditions:
Encephalopathy, acute, infection-induced (herpes-specific), susceptibility to, 1. Also called: Herpes simplex encephalitis, susceptibility to, 1. Identifiers: Orphanet 1930, MedGen C2750180, MONDO:0024563, OMIM 610551.

Submissions (2):

Fulgent Genetics
Classification: Uncertain significance for Encephalopathy, acute, infection-induced (herpes-specific), susceptibility to, 1. Last evaluated: 2021-10-29. Review status: criteria provided, single submitter. Criteria: ACMG Guidelines, 2015. Collection method: clinical testing. Allele origin: unknown.

Labcorp Genetics (formerly Invitae), Labcorp
Classification: Uncertain significance for Encephalopathy, acute, infection-induced (herpes-specific), susceptibility to, 1. Last evaluated: 2021-10-14. Review status: criteria provided, single submitter. Criteria: Invitae Variant Classification Sherloc (09022015). Collection method: clinical testing. Allele origin: germline.
Comment: This sequence change creates a premature translational stop signal (p.Val522Profs*194) in the UNC93B1 gene. While this is not anticipated to result in nonsense mediated decay, it is expected to disrupt the last 76 amino acid(s) of the UNC93B1 protein. The frequency data for this variant in the population databases is considered unreliable, as metrics indicate insufficient coverage at this position in the ExAC database. This variant has not been reported in the literature in individuals affected with UNC93B1-related conditions. Experimental studies and prediction algorithms are not available or were not evaluated, and the functional significance of this variant is currently unknown. In summary, the available evidence is currently insufficient to determine the role of this variant in disease. Therefore, it has been classified as a Variant of Uncertain Significance.

NM_030930.4(UNC93B1):c.1557_1561del (p.Val522fs)

Gene: UNC93B1 (unc-93B1 regulator of TLR signaling; minus strand). Cytogenetic location: 11q13.2.
Variant type: Deletion.
Coding change: c.1557_1561del on transcript NM_030930.4 (MANE Select); coding-DNA positions 1557 to 1561, 5 bases deleted (CCGGG; older notation c.1557_1561delCCGGG).
Protein change: p.Val522fs; shifts the reading frame from valine 522.
Molecular consequence: frameshift variant.
Genome position (GRCh38, 1-based): chr11:67,991,779-67,991,783, CCCGG deleted on the plus strand (CCGGG on the coding strand, the reverse complement: UNC93B1 is on the minus strand); deleting any 5 consecutive bases within chr11:67,991,779-67,991,784 gives the same sequence; the c. name uses the placement nearest the transcript's 3' end. VCF-style (leftmost placement, unchanged base first): chr11-67991778-CCCCGG-C. GRCh37 (hg19) VCF-style: chr11-67759249-CCCCGG-C.
Other names: short protein forms V522fs.
Identifiers: ClinVar variation 1400324 (VCV001400324.7), dbSNP rs1010114944, ClinGen allele CA224210774.